The following is an entry in ClinVar:

ClinVar aggregate classification (germline): Pathogenic (1 of 4 stars; one submission).

Conditions:
Developmental and epileptic encephalopathy 94 (DEE94). Also called: Epileptic encephalopathy, childhood-onset; CHD2-Related Neurodevelopmental Disorders. Identifiers: Orphanet 1942, Orphanet 2382, MedGen C3809278, MONDO:0014150, OMIM 615369.

Submission:

Labcorp Genetics (formerly Invitae), Labcorp
Classification: Pathogenic for Developmental and epileptic encephalopathy 94. Last evaluated: 2022-09-01. Review status: criteria provided, single submitter. Criteria: Invitae Variant Classification Sherloc (09022015). Collection method: clinical testing. Allele origin: germline.
Comment: For these reasons, this variant has been classified as Pathogenic. ClinVar contains an entry for this variant (Variation ID: 1411279). This variant has not been reported in the literature in individuals affected with CHD2-related conditions. This variant is not present in population databases (gnomAD no frequency). This sequence change creates a premature translational stop signal (p.Leu628Tyrfs*6) in the CHD2 gene. It is expected to result in an absent or disrupted protein product. Loss-of-function variants in CHD2 are known to be pathogenic (PMID: 23708187, 24207121).

Literature cited by the submitters: PubMed 23708187; PubMed 24207121.

NM_001271.4(CHD2):c.1883del (p.Leu628fs)

Gene: CHD2 (chromodomain helicase DNA binding protein 2; plus strand). Cytogenetic location: 15q26.1.
Variant type: Deletion.
Coding change: c.1883del on transcript NM_001271.4 (MANE Select); coding-DNA position 1883, one base deleted (T; older notation c.1883delT).
Protein change: p.Leu628fs; shifts the reading frame from leucine 628.
Molecular consequence: frameshift variant.
Genome position (GRCh38, 1-based): chr15:92,956,532, T deleted; the last of 3 consecutive T bases (chr15:92,956,530-92,956,532); deleting any one gives the same sequence. VCF-style (leftmost placement, unchanged base first): chr15-92956529-CT-C. GRCh37 (hg19) VCF-style: chr15-93499759-CT-C.
Other names: short protein forms L628fs.
Identifiers: ClinVar variation 1411279 (VCV001411279.6), dbSNP rs2141816557, ClinGen allele CA2573151328.
Genomic context (GRCh38, chr15:92,956,529, plus strand): 5'-GCAGTATTAACTGGGCCTTTCTGGGAGTGGATGAAGCCCATCGGTTGAAGAATGATGACT[CT>C]TTATTGTATAAAACTCTGATTGATTTCAAGTCCAACCATAGGCTCCTGATTACGGGGACC-3'